The following is an entry in ClinVar:

ClinVar aggregate classification (germline): Uncertain significance. Review status: criteria provided, multiple submitters, no conflicts (2 of 4 stars). 2 submissions from 2 submitters: Uncertain significance (2). Last evaluated 2025-06-10.

Conditions:
Inborn genetic diseases. Identifiers: MedGen C0950123, MeSH D030342.

Allele frequency attached by ClinVar (database versions not stated): ExAC 0.00002; gnomAD exomes below 0.00001 and 0.00001; gnomAD 0.00005 and 0.00006; TOPMed 0.00005.
gnomAD v4.1: 8 of 1,573,098 alleles (0.00051%); highest among the groups gnomAD compares: African/African-American, 0.011%; no homozygotes.

Submissions (2):

Ambry Genetics
Classification: Uncertain significance for Inborn genetic diseases. Last evaluated: 2025-06-10. Review status: criteria provided, single submitter. Criteria: Ambry Variant Classification Scheme 2023. Collection method: clinical testing. Allele origin: germline.

GeneDx
Classification: Uncertain significance. Last evaluated: 2020-01-14. Review status: criteria provided, single submitter. Criteria: GeneDx Variant Classification Process June 2021. Collection method: clinical testing. Allele origin: germline. Affected: yes.
Comment: In silico analysis, which includes protein predictors and evolutionary conservation, supports that this variant does not alter protein structure/function; Has not been previously published as pathogenic or benign to our knowledge

NM_016122.3(CEP83):c.1739G>A (p.Arg580Lys)

Gene: CEP83 (centrosomal protein 83; minus strand). Cytogenetic location: 12q22.
Variant type: single nucleotide variant.
Coding change: c.1739G>A on transcript NM_016122.3 (MANE Select); coding-DNA position 1739, G replaced by A.
Protein change: p.Arg580Lys; replaces arginine 580 with lysine.
Molecular consequence: missense variant. On other transcripts: non-coding transcript variant (2).
Genome position (GRCh38, 1-based): chr12:94,312,986, C>T on the plus strand (G>A on the coding strand, the complement: CEP83 is on the minus strand). VCF-style: chr12-94312986-C-T. GRCh37 (hg19) VCF-style: chr12-94706762-C-T.
Other names: c.1739G>A, p.Arg580Lys (NM_001042399.2, NM_001346457.2, NM_001368037.1 and 1 more transcripts); c.1427G>A, p.Arg476Lys (NM_001346458.2, NM_001346459.2, NM_001368039.1 and 1 more transcripts); c.1514G>A, p.Arg505Lys (NM_001368041.1); short protein forms R476K, R505K, R580K.
Identifiers: ClinVar variation 1312032 (VCV001312032.3), dbSNP rs781665770, ClinGen allele CA6721562.